The following is an entry in ClinVar:

NM_177438.3(DICER1):c.5063C>T (p.Thr1688Ile)

Gene: DICER1 (dicer 1, ribonuclease III; minus strand). Cytogenetic location: 14q32.13.
Variant type: single nucleotide variant.
Coding change: c.5063C>T on transcript NM_177438.3 (MANE Select); coding-DNA position 5063, C replaced by T.
Protein change: p.Thr1688Ile; replaces threonine 1688 with isoleucine.
Molecular consequence: missense variant. On other transcripts: non-coding transcript variant (6).
Genome position (GRCh38, 1-based): chr14:95,095,857, G>A on the plus strand (C>T on the coding strand, the complement: DICER1 is on the minus strand). VCF-style: chr14-95095857-G-A. GRCh37 (hg19) VCF-style: chr14-95562194-G-A.
Other names: c.5063C>T, p.Thr1688Ile (NM_001195573.1, NM_001271282.3, NM_001291628.2 and 12 more transcripts); c.4781C>T, p.Thr1594Ile (NM_001395686.1); c.4658C>T, p.Thr1553Ile (NM_001395687.1, NM_001395688.1, NM_001395689.1 and 2 more transcripts); c.4496C>T, p.Thr1499Ile (NM_001395691.1); c.3380C>T, p.Thr1127Ile (NM_001395697.1); short protein forms T1594I, T1688I, T1127I, T1499I, T1553I.
Identifiers: ClinVar variation 4011633 (VCV004011633.1).

ClinVar aggregate classification (germline): Uncertain significance (1 of 4 stars; one submission).

Conditions:
Hereditary cancer-predisposing syndrome. Also called: Tumor predisposition; Hereditary neoplastic syndrome; Neoplastic Syndromes, Hereditary; Hereditary Cancer Syndrome. Identifiers: Orphanet 140162, MedGen C0027672, MeSH D009386, MONDO:0015356.

Submission:

Ambry Genetics
Classification: Uncertain significance for Hereditary cancer-predisposing syndrome. Last evaluated: 2025-04-13. Review status: criteria provided, single submitter. Criteria: Ambry Variant Classification Scheme 2023. Collection method: clinical testing. Allele origin: germline.
Comment: The p.T1688I variant (also known as c.5063C>T), located in coding exon 22 of the DICER1 gene, results from a C to T substitution at nucleotide position 5063. The threonine at codon 1688 is replaced by isoleucine, an amino acid with similar properties. This amino acid position is conserved. In addition, this alteration is predicted to be deleterious by in silico analysis. Based on the available evidence, the clinical significance of this variant remains unclear.